The following is an entry in ClinVar:

NM_002529.4(NTRK1):c.917A>G (p.Asp306Gly)

Gene: NTRK1 (neurotrophic receptor tyrosine kinase 1; plus strand). Cytogenetic location: 1q23.1.
Variant type: single nucleotide variant.
Coding change: c.917A>G on transcript NM_002529.4 (MANE Select); coding-DNA position 917, A replaced by G.
Protein change: p.Asp306Gly; replaces aspartic acid 306 with glycine.
Molecular consequence: missense variant.
Genome position (GRCh38, 1-based): chr1:156,873,699, A>G. VCF-style: chr1-156873699-A-G. GRCh37 (hg19) VCF-style: chr1-156843491-A-G.
Other names: c.827A>G, p.Asp276Gly (NM_001007792.1); c.917A>G, p.Asp306Gly (NM_001012331.2); short protein forms D276G, D306G.
Identifiers: ClinVar variation 1022332 (VCV001022332.6), dbSNP rs1647704858, ClinGen allele CA342935707.

ClinVar aggregate classification (germline): Uncertain significance (1 of 4 stars; one submission).

Conditions:
Hereditary insensitivity to pain with anhidrosis (CIPA). Also called: NEUROPATHY, CONGENITAL SENSORY, WITH ANHIDROSIS; hereditary sensory and autonomic neuropathy type 4; HSAN Type IV; INSENSITIVITY TO PAIN, CONGENITAL, WITH ANHIDROSIS; FAMILIAL DYSAUTONOMIA, TYPE II; NTRK1 Congenital Insensitivity to Pain with Anhidrosis. Identifiers: Orphanet 642, MedGen C0020074, MONDO:0009746, OMIM 256800.

gnomAD v4.1: 8 of 1,611,384 alleles (0.0005%); highest among the groups gnomAD compares: Non-Finnish European, 0.00068%; no homozygotes.

Submission:

Labcorp Genetics (formerly Invitae), Labcorp
Classification: Uncertain significance for Hereditary insensitivity to pain with anhidrosis. Last evaluated: 2021-09-01. Review status: criteria provided, single submitter. Criteria: Invitae Variant Classification Sherloc (09022015). Collection method: clinical testing. Allele origin: germline.
Comment: This sequence change replaces aspartic acid with glycine at codon 306 of the NTRK1 protein (p.Asp306Gly). The aspartic acid residue is highly conserved and there is a moderate physicochemical difference between aspartic acid and glycine. This variant is not present in population databases (ExAC no frequency). This variant has not been reported in the literature in individuals affected with NTRK1-related conditions. Advanced modeling of protein sequence and biophysical properties (such as structural, functional, and spatial information, amino acid conservation, physicochemical variation, residue mobility, and thermodynamic stability) performed at Invitae indicates that this missense variant is not expected to disrupt NTRK1 protein function. Algorithms developed to predict the effect of sequence changes on RNA splicing suggest that this variant may create or strengthen a splice site. In summary, the available evidence is currently insufficient to determine the role of this variant in disease. Therefore, it has been classified as a Variant of Uncertain Significance.